The following is an entry in ClinVar:

ClinVar aggregate classification (germline): Uncertain significance (1 of 4 stars; one submission).

Conditions:
Hereditary cancer-predisposing syndrome. Also called: Neoplastic Syndromes, Hereditary; Tumor predisposition; Hereditary Cancer Syndrome; Hereditary neoplastic syndrome. Identifiers: Orphanet 140162, MedGen C0027672, MeSH D009386, MONDO:0015356.

Submission:

Ambry Genetics
Classification: Uncertain significance for Hereditary cancer-predisposing syndrome. Last evaluated: 2025-11-15. Review status: criteria provided, single submitter. Criteria: Ambry Variant Classification Scheme 2023. Collection method: clinical testing. Allele origin: germline.
Comment: The p.C1354S variant (also known as c.4061G>C), located in coding exon 27 of the ALK gene, results from a G to C substitution at nucleotide position 4061. The cysteine at codon 1354 is replaced by serine, an amino acid with dissimilar properties. This amino acid position is conserved. In addition, this alteration is predicted to be deleterious by in silico analysis. Based on the available evidence, the clinical significance of this variant remains unclear.

NM_004304.5(ALK):c.4061G>C (p.Cys1354Ser)

Gene: ALK (ALK receptor tyrosine kinase; minus strand). Cytogenetic location: 2p23.2.
Variant type: single nucleotide variant.
Coding change: c.4061G>C on transcript NM_004304.5 (MANE Select); coding-DNA position 4061, G replaced by C.
Protein change: p.Cys1354Ser; replaces cysteine 1354 with serine.
Molecular consequence: missense variant.
Genome position (GRCh38, 1-based): chr2:29,197,554, C>G on the plus strand (G>C on the coding strand, the complement: ALK is on the minus strand). VCF-style: chr2-29197554-C-G. GRCh37 (hg19) VCF-style: chr2-29420420-C-G.
Other names: c.857G>C, p.Cys286Ser (NM_001353765.2); short protein forms C1354S, C286S.
Identifiers: ClinVar variation 4667279 (VCV004667279.1).